The following is an entry in ClinVar:

NM_032043.3(BRIP1):c.3698del (p.Asn1233fs)

Gene: BRIP1 (BRCA1 interacting DNA helicase 1; minus strand). Cytogenetic location: 17q23.2.
Variant type: Deletion.
Coding change: c.3698del on transcript NM_032043.3 (MANE Select); coding-DNA position 3698, one base deleted (A; older notation c.3698delA).
Protein change: p.Asn1233fs; shifts the reading frame from asparagine 1233.
Molecular consequence: frameshift variant.
Genome position (GRCh38, 1-based): chr17:61,683,348, T deleted on the plus strand (A on the coding strand, the reverse complement: BRIP1 is on the minus strand); the first of 2 consecutive T bases (chr17:61,683,348-61,683,349); deleting either gives the same sequence. VCF-style (leftmost placement, unchanged base first): chr17-61683347-GT-G. GRCh37 (hg19) VCF-style: chr17-59760708-GT-G.
Other names: short protein forms N1233fs.
Identifiers: ClinVar variation 3759421 (VCV003759421.2).

ClinVar aggregate classification (germline): Uncertain significance (1 of 4 stars; one submission).

Conditions:
Fanconi anemia complementation group J. Also called: BRIP1-Related Fanconi Anemia. Identifiers: Orphanet 84, MedGen C1836860, MONDO:0012187, OMIM 609054.
Familial cancer of breast. Also called: BREAST CANCER, FAMILIAL; Hereditary breast cancer; hereditary breast carcinoma. Identifiers: Orphanet 227535, MedGen C0346153, MONDO:0016419, OMIM 114480. Disease mechanism: loss of function.

Submission:

Labcorp Genetics (formerly Invitae), Labcorp
Classification: Uncertain significance for Familial cancer of breast; Fanconi anemia complementation group J. Last evaluated: 2024-12-18. Review status: criteria provided, single submitter. Criteria: Invitae Variant Classification Sherloc (09022015). Collection method: clinical testing. Allele origin: germline.
Comment: This sequence change results in a frameshift in the BRIP1 gene (p.Asn1233Thrfs*21). While this is not anticipated to result in nonsense mediated decay, it is expected to disrupt the last 17 amino acid(s) of the BRIP1 protein and extend the protein by 3 additional amino acid residues. This variant is not present in population databases (gnomAD no frequency). This variant has not been reported in the literature in individuals affected with BRIP1-related conditions. Experimental studies and prediction algorithms are not available or were not evaluated, and the functional significance of this variant is currently unknown. In summary, the available evidence is currently insufficient to determine the role of this variant in disease. Therefore, it has been classified as a Variant of Uncertain Significance.